The following is an entry in ClinVar:

ClinVar aggregate classification (germline): Uncertain significance. Review status: criteria provided, multiple submitters, no conflicts (2 of 4 stars). 2 submissions from 2 submitters: Uncertain significance (2). Last evaluated 2025-07-07.

Conditions:
Duane-radial ray syndrome (DRRS). Also called: Duane-Radial Ray Syndrome (DRRS) / Okihiro Syndrome; ACRORENOOCULAR SYNDROME; DR SYNDROME; DUANE ANOMALY WITH RADIAL RAY ABNORMALITIES AND DEAFNESS; Duane-Radial Ray Syndrome/Okihiro Syndrome; Okihiro Syndrome. Identifiers: Orphanet 93293, Orphanet 959, MedGen C1623209, MONDO:0011812, OMIM 607323. Disease mechanism: gain of function.
Inborn genetic diseases. Identifiers: MedGen C0950123, MeSH D030342.

Allele frequency attached by ClinVar (database versions not stated): gnomAD exomes 0.00001; TOPMed 0.00001; ExAC 0.00002; gnomAD 0.00003.
gnomAD v4.1: 17 of 1,614,150 alleles (0.0011%); highest among the groups gnomAD compares: South Asian, 0.0066%; no homozygotes.

Submissions (2):

Labcorp Genetics (formerly Invitae), Labcorp
Classification: Uncertain significance for Duane-radial ray syndrome. Last evaluated: 2025-07-07. Review status: criteria provided, single submitter. Criteria: Invitae Variant Classification Sherloc (09022015). Collection method: clinical testing. Allele origin: germline.
Comment: This sequence change replaces glutamic acid, which is acidic and polar, with lysine, which is basic and polar, at codon 813 of the SALL4 protein (p.Glu813Lys). This variant is present in population databases (rs777197914, gnomAD 0.008%). This variant has not been reported in the literature in individuals affected with SALL4-related conditions. ClinVar contains an entry for this variant (Variation ID: 3157613). An algorithm developed to predict the effect of missense changes on protein structure and function (PolyPhen-2) suggests that this variant is likely to be tolerated. In summary, the available evidence is currently insufficient to determine the role of this variant in disease. Therefore, it has been classified as a Variant of Uncertain Significance.

Ambry Genetics
Classification: Uncertain significance for Inborn genetic diseases. Last evaluated: 2023-10-17. Review status: criteria provided, single submitter. Criteria: Ambry Variant Classification Scheme 2023. Collection method: clinical testing. Allele origin: germline.

NM_020436.5(SALL4):c.2437G>A (p.Glu813Lys)

Gene: SALL4 (spalt like transcription factor 4; minus strand). Cytogenetic location: 20q13.2.
Variant type: single nucleotide variant.
Coding change: c.2437G>A on transcript NM_020436.5 (MANE Select); coding-DNA position 2437, G replaced by A.
Protein change: p.Glu813Lys; replaces glutamic acid 813 with lysine.
Molecular consequence: missense variant. On other transcripts: intron variant (1).
Genome position (GRCh38, 1-based): chr20:51,790,046, C>T on the plus strand (G>A on the coding strand, the complement: SALL4 is on the minus strand). VCF-style: chr20-51790046-C-T. GRCh37 (hg19) VCF-style: chr20-50406585-C-T.
Other names: c.1151-905G>A (NM_001318031.2); short protein forms E813K.
Identifiers: ClinVar variation 3157613 (VCV003157613.3), dbSNP rs777197914, ClinGen allele CA9912098.